The following is an entry in ClinVar:

ClinVar aggregate classification (germline): Pathogenic/Likely pathogenic. Review status: criteria provided, multiple submitters, no conflicts (2 of 4 stars). 8 submissions from 8 submitters: Pathogenic (6); Likely pathogenic (2). Last evaluated 2025-12-12.

Conditions:
Inherited Immunodeficiency Diseases. Identifiers: MedGen C5197805, MeSH D000081207.
NFKB1-related disorder. Also called: NFKB1-related condition.
Immunodeficiency, common variable, 12 (CVID12). Also called: IMMUNODEFICIENCY, COMMON VARIABLE, 12, WITH AUTOIMMUNITY; NFKB1 DEFICIENCY. Identifiers: Orphanet 1572, Orphanet 696874, MedGen C4225277, MONDO:0014697, OMIM 616576.

Submissions (8):

Victorian Clinical Genetics Services, Murdoch Childrens Research Institute
Classification: Pathogenic for Immunodeficiency, common variable, 12. Last evaluated: 2025-12-12. Review status: criteria provided, single submitter. Criteria: ACMG Guidelines, 2015. Collection method: clinical testing. Allele origin: germline. Affected: yes.
Comment: This variant is classified as Pathogenic. Evidence in support of pathogenic classification: Variant is predicted to cause nonsense-mediated decay (NMD) and loss of protein (premature termination codon is located at least 54 nucleotides upstream of the final exon-exon junction); Variant is present in gnomAD <0.001 for a dominant condition (v4: 2 heterozygote(s), 0 homozygote(s)); This variant has strong previous evidence of pathogenicity in unrelated individuals. This variant has been classified as pathogenic and likely pathogenic by multiple clinical laboratories (ClinVar); Other NMD-predicted variant(s) comparable to the one identified in this case have very strong previous evidence for pathogenicity (DECIPHER) Additional information: This variant is heterozygous; This gene is associated with autosomal dominant disease; Loss of function is a known mechanism of disease in this gene and is associated with immunodeficiency, common variable, 12 (MIM#616576); The condition associated with this gene has incomplete penetrance. Penetrance is estimated to be 60%, with some carriers appearing asymptomatic (PMID: 29477724); Variants in this gene are known to have variable expressivity (OMIM); Inheritance information for this variant is not currently available in this individual.

Labcorp Genetics (formerly Invitae), Labcorp
Classification: Pathogenic. Last evaluated: 2024-10-16. Review status: criteria provided, single submitter. Criteria: Invitae Variant Classification Sherloc (09022015). Collection method: clinical testing. Allele origin: germline.
Comment: This sequence change creates a premature translational stop signal (p.Ser302Phefs*7) in the NFKB1 gene. It is expected to result in an absent or disrupted protein product. Loss-of-function variants in NFKB1 are known to be pathogenic (PMID: 26279205, 29477724). This variant is present in population databases (rs773694113, gnomAD 0.006%). This premature translational stop signal has been observed in individual(s) with common variable immunodeficiency or primary immunodeficiency (PMID: 29077208, 29477724, 31803180). ClinVar contains an entry for this variant (Variation ID: 430907). For these reasons, this variant has been classified as Pathogenic.

Department of Human Genetics, Hannover Medical School
Classification: Pathogenic for Immunodeficiency, common variable, 12. Last evaluated: 2024-09-30. Review status: criteria provided, single submitter. Criteria: ACMG Guidelines, 2015. Collection method: clinical testing. Allele origin: germline. Affected: yes.

Revvity Omics, Revvity
Classification: Pathogenic for Immunodeficiency, common variable, 12. Last evaluated: 2021-09-03. Review status: criteria provided, single submitter. Criteria: ACMG Guidelines, 2015. Collection method: clinical testing. Allele origin: germline.

Blueprint Genetics
Classification: Pathogenic for NFKB1-related disorders. Last evaluated: 2021-02-26. Review status: criteria provided, single submitter. Criteria: ACMG Guidelines, 2015. Collection method: clinical testing. Allele origin: germline. Affected: yes. Observed: 2 variant alleles.

Institute of Human Genetics, University of Leipzig Medical Center
Classification: Likely pathogenic for Immunodeficiency, common variable, 12. Last evaluated: 2019-01-01. Review status: criteria provided, single submitter. Criteria: ACMG Guidelines, 2015. Collection method: clinical testing. Allele origin: unknown. Affected: yes.

NIHR Bioresource Rare Diseases, University of Cambridge
Classification: Likely pathogenic for Inherited Immunodeficiency Diseases. Last evaluated: 2019-01-01. Review status: criteria provided, single submitter. Criteria: ACMG Guidelines, 2015. Collection method: research. Allele origin: germline. Affected: yes. Observed: 1 heterozygote.

Department of Immunology, University Hospital Southampton NHSFT
Classification: Pathogenic for Immunodeficiency, common variable, 12. Review status: criteria provided, single submitter. Criteria: ACMG Guidelines, 2015. Collection method: clinical testing. Allele origin: germline. Affected: yes.

Literature cited by the submitters: PubMed 29477724 (cited by Victorian Clinical Genetics Services, Murdoch Childrens Research Institute and Labcorp Genetics (formerly Invitae), Labcorp); PubMed 26279205 (cited by Labcorp Genetics (formerly Invitae), Labcorp); PubMed 29077208 (cited by Labcorp Genetics (formerly Invitae), Labcorp and Department of Immunology, University Hospital Southampton NHSFT); PubMed 31803180 (cited by Labcorp Genetics (formerly Invitae), Labcorp).

NM_003998.4(NFKB1):c.904dup (p.Ser302fs)

Gene: NFKB1 (nuclear factor kappa B subunit 1; plus strand). Cytogenetic location: 4q24.
Variant type: Duplication.
Coding change: c.904dup on transcript NM_003998.4 (MANE Select); coding-DNA position 904, one base duplicated (T; older notation c.904dupT).
Protein change: p.Ser302fs; shifts the reading frame from serine 302.
Molecular consequence: frameshift variant.
Genome position (GRCh38, 1-based): chr4:102,582,934, T duplicated; the last of 5 consecutive T bases (chr4:102,582,930-102,582,934); duplicating any one gives the same sequence. VCF-style (leftmost placement, unchanged base first): chr4-102582929-A-AT. GRCh37 (hg19) VCF-style: chr4-103504086-A-AT.
Other names: c.904dupT (NM_003998.3); c.904dup, p.Ser302fs (LRG_1316t1); c.901dup, p.Ser301fs (NM_001165412.2, NM_001319226.2); short protein forms S302fs, S301fs.
Identifiers: ClinVar variation 430907 (VCV000430907.16), dbSNP rs773694113, ClinGen allele CA3026009.